The following is an entry in ClinVar:

ClinVar aggregate classification (germline): Uncertain significance (1 of 4 stars; one submission).

Allele frequency attached by ClinVar (database versions not stated): gnomAD exomes below 0.00001; TOPMed below 0.00001.
gnomAD v4.1: 1 of 1,612,500 alleles (0.000062%); highest among the groups gnomAD compares: Non-Finnish European, 0.000085%; no homozygotes.

Submission:

Labcorp Genetics (formerly Invitae), Labcorp
Classification: Uncertain significance. Last evaluated: 2023-12-13. Review status: criteria provided, single submitter. Criteria: Invitae Variant Classification Sherloc (09022015). Collection method: clinical testing. Allele origin: germline.
Comment: This sequence change replaces proline, which is neutral and non-polar, with serine, which is neutral and polar, at codon 1631 of the PLXNA2 protein (p.Pro1631Ser). This variant is not present in population databases (gnomAD no frequency). This variant has not been reported in the literature in individuals affected with PLXNA2-related conditions. Advanced modeling of protein sequence and biophysical properties (such as structural, functional, and spatial information, amino acid conservation, physicochemical variation, residue mobility, and thermodynamic stability) performed at Invitae indicates that this missense variant is not expected to disrupt PLXNA2 protein function with a negative predictive value of 80%. In summary, the available evidence is currently insufficient to determine the role of this variant in disease. Therefore, it has been classified as a Variant of Uncertain Significance.

NM_025179.4(PLXNA2):c.4891C>T (p.Pro1631Ser)

Gene: PLXNA2 (plexin A2; minus strand). Cytogenetic location: 1q32.2.
Variant type: single nucleotide variant.
Coding change: c.4891C>T on transcript NM_025179.4 (MANE Select); coding-DNA position 4891, C replaced by T.
Protein change: p.Pro1631Ser; replaces proline 1631 with serine.
Molecular consequence: missense variant.
Genome position (GRCh38, 1-based): chr1:208,033,483, G>A on the plus strand (C>T on the coding strand, the complement: PLXNA2 is on the minus strand). VCF-style: chr1-208033483-G-A. GRCh37 (hg19) VCF-style: chr1-208206828-G-A.
Other names: short protein forms P1631S.
Identifiers: ClinVar variation 3003982 (VCV003003982.3), dbSNP rs1664571350, ClinGen allele CA344560934.